The following is an entry in ClinVar:

ClinVar aggregate classification (germline): Benign/Likely benign. Review status: criteria provided, multiple submitters, no conflicts (2 of 4 stars). 9 submissions from 8 submitters: Benign (2); Likely benign (6). 1 of the submissions does not count toward it. Last evaluated 2026-01-05.

Conditions:
Autosomal recessive ataxia, Beauce type. Also called: SYNE1 Deficiency; Spinocerebellar ataxia, autosomal recessive 8; SYNE1-Related Autosomal Recessive Cerebellar Ataxia; ATAXIA, RECESSIVE, OF BEAUCE. Identifiers: Orphanet 88644, MedGen C1853116, MONDO:0012549, OMIM 610743.
Emery-Dreifuss muscular dystrophy 4, autosomal dominant (EDMD4). Also called: EMERY-DREIFUSS MUSCULAR DYSTROPHY 4 WITH VARIABLE FEATURES. Identifiers: Orphanet 261, MedGen C2751807, MONDO:0013071, OMIM 612998.
Arthrogryposis multiplex congenita 3, myogenic type. Also called: ARTHROGRYPOSIS MULTIPLEX CONGENITA, MYOGENIC TYPE. Identifiers: MedGen C5193121, MONDO:0032778, OMIM 618484.
SYNE1-related disorder. Also called: SYNE1-related disorders; SYNE1-related disease; SYNE1-related condition.

Allele frequency attached by ClinVar (database versions not stated): gnomAD exomes 0.00018 and 0.00056; ExAC 0.00058; 1000 Genomes Project 0.00160; gnomAD 0.00177 and 0.00195; 1000 Genomes Project 30x 0.00203; TOPMed 0.00211; ESP Exome Variant Server 0.00238.
gnomAD v4.1: 555 of 1,614,084 alleles (0.034%); highest among the groups gnomAD compares: African/African-American, 0.66%; no homozygotes.

Submissions (9):

Labcorp Genetics (formerly Invitae), Labcorp
Classification: Likely benign for Emery-Dreifuss muscular dystrophy 4, autosomal dominant; Autosomal recessive ataxia, Beauce type. Last evaluated: 2026-01-05. Review status: criteria provided, single submitter. Criteria: Invitae Variant Classification Sherloc (09022015). Collection method: clinical testing. Allele origin: germline.

Mayo Clinic Laboratories, Mayo Clinic
Classification: Likely benign. Last evaluated: 2025-05-27. Review status: criteria provided, single submitter. Criteria: ACMG Guidelines, 2015. Collection method: clinical testing. Allele origin: germline. Observed: 1 variant allele.
Comment: BS1, BP4_moderate

Athena Diagnostics
Classification: Benign. Last evaluated: 2025-03-13. Review status: criteria provided, single submitter. Criteria: Athena Diagnostics Criteria. Collection method: clinical testing. Allele origin: unknown.
Comment: The frequency of this variant in the general population is higher than would generally be expected for pathogenic variants in this gene. Computational tools predict this amino acid change may be benign.

Fulgent Genetics
Classification: Likely benign for Autosomal recessive ataxia, Beauce type; Emery-Dreifuss muscular dystrophy 4, autosomal dominant; Arthrogryposis multiplex congenita 3, myogenic type. Last evaluated: 2021-09-01. Review status: criteria provided, single submitter. Criteria: ACMG Guidelines, 2015. Collection method: clinical testing. Allele origin: unknown.

GeneDx
Classification: Likely benign. Last evaluated: 2019-10-29. Review status: criteria provided, single submitter. Criteria: GeneDx Variant Classification Process June 2021. Collection method: clinical testing. Allele origin: germline. Affected: yes.

Illumina Laboratory Services, Illumina
Classification: Benign for Emery-Dreifuss muscular dystrophy 4, autosomal dominant. Last evaluated: 2018-01-13. Review status: criteria provided, single submitter. Criteria: ICSL Variant Classification Criteria 13 December 2019. Collection method: clinical testing. Allele origin: germline.
Comment: This variant was observed in the ICSL laboratory as part of a predisposition screen in an ostensibly healthy population. It had not been previously curated by ICSL or reported in the Human Gene Mutation Database (HGMD: prior to June 1st, 2018), and was therefore a candidate for classification through an automated scoring system. Utilizing variant allele frequency, disease prevalence and penetrance estimates, and inheritance mode, an automated score was calculated to assess if this variant is too frequent to cause the disease. Based on the score and internal cut-off values, a variant classified as benign is not then subjected to further curation. The score for this variant resulted in a classification of benign for this disease.

Illumina Laboratory Services, Illumina
Classification: Likely benign for Autosomal recessive ataxia, Beauce type. Last evaluated: 2018-01-13. Review status: criteria provided, single submitter. Criteria: ICSL Variant Classification Criteria 13 December 2019. Collection method: clinical testing. Allele origin: germline.
Comment: This variant was observed in the ICSL laboratory as part of a predisposition screen in an ostensibly healthy population. It had not been previously curated by ICSL or reported in the Human Gene Mutation Database (HGMD: prior to June 1st, 2018), and was therefore a candidate for classification through an automated scoring system. Utilizing variant allele frequency, disease prevalence and penetrance estimates, and inheritance mode, an automated score was calculated to assess if this variant is too frequent to cause the disease. Based on the score and internal cut-off values, a variant classified as likely benign is not then subjected to further curation. The score for this variant resulted in a classification of likely benign for this disease.

Eurofins Ntd Llc (ga)
Classification: Likely benign. Last evaluated: 2016-08-25. Review status: criteria provided, single submitter. Criteria: EGL Classification Definitions 2015. Collection method: clinical testing. Allele origin: germline. Observed: 5 variant alleles, 5 heterozygotes.

PreventionGenetics, part of Exact Sciences
Classification: Benign for SYNE1-related condition. Last evaluated: 2019-08-29. Review status: no assertion criteria provided. Collection method: clinical testing. Allele origin: germline. Not counted in ClinVar's aggregate classification.
Comment: This variant is classified as benign based on ACMG/AMP sequence variant interpretation guidelines (Richards et al. 2015 PMID: 25741868, with internal and published modifications).

NM_182961.4(SYNE1):c.19508A>G (p.Asn6503Ser)

Gene: SYNE1 (spectrin repeat containing nuclear envelope protein 1; minus strand). Cytogenetic location: 6q25.2.
Variant type: single nucleotide variant.
Coding change: c.19508A>G on transcript NM_182961.4 (MANE Select); coding-DNA position 19508, A replaced by G.
Protein change: p.Asn6503Ser; replaces asparagine 6503 with serine.
Molecular consequence: missense variant.
Genome position (GRCh38, 1-based): chr6:152,249,225, T>C on the plus strand (A>G on the coding strand, the complement: SYNE1 is on the minus strand). VCF-style: chr6-152249225-T-C. GRCh37 (hg19) VCF-style: chr6-152570360-T-C.
Other names: p.Asn6432Ser; c.19295A>G, p.Asn6432Ser (NM_033071.5); short protein forms N6432S, N6503S.
Identifiers: ClinVar variation 193775 (VCV000193775.26), dbSNP rs144762960, ClinGen allele CA239418.
Genomic context (GRCh38, chr6:152,249,225, plus strand): 5'-ATTTGTTCTGCTACGGGCTGTTCAAACACATTTGCCAGTTTTTGCAGAATGATGTATTTG[T>C]TGTCAGCCAGTGATGTAAACAGCACTTTCAGATCATTCTAAGGAGGAAAGCAACGGGAAA-3'
Protein context (NP_892006.3, residues 6493-6513): LKVLFTSLAD[Asn6503Ser]KYIILQKLAN